The following is an entry in ClinVar:

ClinVar aggregate classification (germline): Pathogenic. Review status: criteria provided, multiple submitters, no conflicts (2 of 4 stars). 2 submissions from 2 submitters: Pathogenic (2). Last evaluated 2026-01-05.

Conditions:
Intellectual developmental disorder, autosomal dominant 52. Also called: Intellectual disability, autosomal dominant 52; Mental retardation, autosomal dominant 52. Identifiers: MedGen C4540478, MONDO:0030918, OMIM 617796.

Submissions (2):

3billion
Classification: Pathogenic for Intellectual developmental disorder, autosomal dominant 52. Last evaluated: 2026-01-05. Review status: criteria provided, single submitter. Criteria: ACMG Guidelines, 2015. Collection method: clinical testing. Allele origin: germline. Affected: yes.
Comment: The variant is not observed in the gnomAD v4.1.0 dataset. Predicted Consequence/Location: Stop-gained (nonsense): predicted to result in a loss or disruption of normal protein function through nonsense-mediated decay (NMD) or protein truncation. Multiple pathogenic variants are reported downstream of the variant. The variant has been reported to be associated with ASH1L-related disorder (ClinVar ID: VCV000620260). Therefore, this variant is classified as Pathogenic according to the recommendation of ACMG/AMP guideline.

GeneDx
Classification: Pathogenic. Last evaluated: 2024-08-13. Review status: criteria provided, single submitter. Criteria: GeneDx Variant Classification Process June 2021. Collection method: clinical testing. Allele origin: germline. Affected: yes.
Comment: Nonsense variant predicted to result in protein truncation or nonsense mediated decay in a gene for which loss of function is a known mechanism of disease; Not observed at significant frequency in large population cohorts (gnomAD); Has not been previously published as pathogenic or benign to our knowledge

NM_018489.3(ASH1L):c.4579C>T (p.Arg1527Ter)

Gene: ASH1L (ASH1 like histone lysine methyltransferase; minus strand). Cytogenetic location: 1q22.
Variant type: single nucleotide variant.
Coding change: c.4579C>T on transcript NM_018489.3 (MANE Select); coding-DNA position 4579, C replaced by T.
Protein change: p.Arg1527Ter; replaces arginine 1527 with a stop codon.
Molecular consequence: nonsense.
Genome position (GRCh38, 1-based): chr1:155,478,291, G>A on the plus strand (C>T on the coding strand, the complement: ASH1L is on the minus strand). VCF-style: chr1-155478291-G-A. GRCh37 (hg19) VCF-style: chr1-155448082-G-A.
Other names: c.4579C>T, p.Arg1527Ter (NM_001366177.2); short protein forms R1527*.
Identifiers: ClinVar variation 620260 (VCV000620260.3), dbSNP rs1558146278, ClinGen allele CA342700868.
Genomic context (GRCh38, chr1:155,478,291, plus strand): 5'-TTGAAGGAGAGAGATGAGGGCAGGACATGTGACAACGGTGCTTTTCCTTATGCTTATATC[G>A]CTCTCCAACAGCATCCTTTCCAAATCTATAGCGCTTCAAAGATTCCAGGACAGATCGGGA-3'